The following is an entry in ClinVar:

ClinVar aggregate classification (germline): Uncertain significance. Review status: criteria provided, multiple submitters, no conflicts (2 of 4 stars). 3 submissions from 3 submitters: Uncertain significance (2). 1 of the submissions does not count toward it. Last evaluated 2025-10-30.

Conditions:
Bardet-Biedl syndrome (BBS). Identifiers: Orphanet 110, MedGen C0752166, MONDO:0015229.
Inborn genetic diseases. Identifiers: MedGen C0950123, MeSH D030342.
BBS10-related disorder. Also called: BBS10-related condition.

Allele frequency attached by ClinVar (database versions not stated): gnomAD 0.00001.
gnomAD v4.1: 2 of 1,613,584 alleles (0.00012%); highest among the groups gnomAD compares: African/African-American, 0.0013%; no homozygotes.

Submissions (3):

Ambry Genetics
Classification: Uncertain significance for Inborn genetic diseases. Last evaluated: 2025-10-30. Review status: criteria provided, single submitter. Criteria: Ambry Variant Classification Scheme 2023. Collection method: clinical testing. Allele origin: germline.

Labcorp Genetics (formerly Invitae), Labcorp
Classification: Uncertain significance for Bardet-Biedl syndrome. Last evaluated: 2022-05-03. Review status: criteria provided, single submitter. Criteria: Invitae Variant Classification Sherloc (09022015). Collection method: clinical testing. Allele origin: germline.
Comment: This sequence change replaces arginine, which is basic and polar, with serine, which is neutral and polar, at codon 167 of the BBS10 protein (p.Arg167Ser). This variant is not present in population databases (gnomAD no frequency). This variant has not been reported in the literature in individuals affected with BBS10-related conditions. Algorithms developed to predict the effect of missense changes on protein structure and function are either unavailable or do not agree on the potential impact of this missense change (SIFT: "Tolerated"; PolyPhen-2: "Possibly Damaging"; Align-GVGD: "Class C0"). In summary, the available evidence is currently insufficient to determine the role of this variant in disease. Therefore, it has been classified as a Variant of Uncertain Significance.

PreventionGenetics, part of Exact Sciences
Classification: Uncertain significance for BBS10-related condition. Last evaluated: 2024-06-25. Review status: no assertion criteria provided. Collection method: clinical testing. Allele origin: germline. Not counted in ClinVar's aggregate classification.
Comment: The BBS10 c.501G>C variant is predicted to result in the amino acid substitution p.Arg167Ser. To our knowledge, this variant has not been reported in the literature or in a large population database, indicating this variant is rare. At this time, the clinical significance of this variant is uncertain due to the absence of conclusive functional and genetic evidence.

NM_024685.4(BBS10):c.501G>C (p.Arg167Ser)

Gene: BBS10 (Bardet-Biedl syndrome 10; minus strand). Cytogenetic location: 12q21.2.
Variant type: single nucleotide variant.
Coding change: c.501G>C on transcript NM_024685.4 (MANE Select); coding-DNA position 501, G replaced by C.
Protein change: p.Arg167Ser; replaces arginine 167 with serine.
Molecular consequence: missense variant.
Genome position (GRCh38, 1-based): chr12:76,347,484, C>G on the plus strand (G>C on the coding strand, the complement: BBS10 is on the minus strand). VCF-style: chr12-76347484-C-G. GRCh37 (hg19) VCF-style: chr12-76741264-C-G.
Other names: c.501G>C (NM_024685.3); short protein forms R167S.
Identifiers: ClinVar variation 2051887 (VCV002051887.3), dbSNP rs1951768610, ClinGen allele CA385815053.
Genomic context (GRCh38, chr12:76,347,484, plus strand): 5'-ATGATTATTTCTTCCCACTCTTCCACAAAAGTATGCTTCTAAGAGCAACTCTAAAGAGCT[C>G]CTACACAATGTTCTCTCTTTAGCAGACGAAAAGATAGACAAAAAGTGTCTACTTAGGTAC-3'
Protein context (NP_078961.3, residues 157-177): FSSAKERTLC[Arg167Ser]SSLELLLEAY